The following is an entry in ClinVar:

NM_000548.5(TSC2):c.775-16G>A

Gene: TSC2 (TSC complex subunit 2; plus strand). Cytogenetic location: 16p13.3.
Variant type: single nucleotide variant.
Coding change: c.775-16G>A on transcript NM_000548.5 (MANE Select); 16 bases into the intron before coding-DNA position 775, G replaced by A.
Molecular consequence: intron variant.
Genome position (GRCh38, 1-based): chr16:2,057,089, G>A. VCF-style: chr16-2057089-G-A. GRCh37 (hg19) VCF-style: chr16-2107090-G-A.
Other names: c.775-16G>A (NM_001114382.3, NM_021055.3, NM_001370405.1 and 3 more transcripts); c.664-16G>A (NM_001318827.2); c.175-16G>A (NM_001318831.2); c.628-16G>A (NM_001318829.2); c.808-16G>A (NM_001318832.2).
Identifiers: ClinVar variation 1588123 (VCV001588123.10), dbSNP rs1359566041, ClinGen allele CA620373200.

ClinVar aggregate classification (germline): Likely benign. Review status: criteria provided, multiple submitters, no conflicts (2 of 4 stars). 2 submissions from 2 submitters: Likely benign (2). Last evaluated 2025-12-24.

Conditions:
Tuberous sclerosis 2 (TSC2). Identifiers: Orphanet 805, MedGen C1860707, MONDO:0013199, OMIM 613254.

Allele frequency attached by ClinVar (database versions not stated): gnomAD exomes 0.00001; TOPMed 0.00001.
gnomAD v4.1: 10 of 1,550,918 alleles (0.00064%); highest among the groups gnomAD compares: East Asian, 0.0049%; no homozygotes.

Submissions (2):

Labcorp Genetics (formerly Invitae), Labcorp
Classification: Likely benign for Tuberous sclerosis 2. Last evaluated: 2025-12-24. Review status: criteria provided, single submitter. Criteria: Invitae Variant Classification Sherloc (09022015). Collection method: clinical testing. Allele origin: germline.

Myriad Genetics, Inc.
Classification: Likely benign for Tuberous sclerosis 2. Last evaluated: 2025-05-09. Review status: criteria provided, single submitter. Criteria: Myriad Autosomal Dominant, Autosomal Recessive and X-Linked Classification Criteria (2023). Collection method: clinical testing. Allele origin: unknown.
Comment: This variant is considered likely benign. This variant is intronic and is not expected to impact mRNA splicing.